The following is an entry in ClinVar:

ClinVar aggregate classification (germline): Uncertain significance (1 of 4 stars; one submission).

Submission:

Labcorp Genetics (formerly Invitae), Labcorp
Classification: Uncertain significance. Last evaluated: 2024-04-07. Review status: criteria provided, single submitter. Criteria: Invitae Variant Classification Sherloc (09022015). Collection method: clinical testing. Allele origin: germline.
Comment: This sequence change replaces valine, which is neutral and non-polar, with glycine, which is neutral and non-polar, at codon 182 of the TNFRSF11A protein (p.Val182Gly). This variant is not present in population databases (gnomAD no frequency). This variant has not been reported in the literature in individuals affected with TNFRSF11A-related conditions. Advanced modeling of protein sequence and biophysical properties (such as structural, functional, and spatial information, amino acid conservation, physicochemical variation, residue mobility, and thermodynamic stability) performed at Invitae indicates that this missense variant is not expected to disrupt TNFRSF11A protein function with a negative predictive value of 80%. In summary, the available evidence is currently insufficient to determine the role of this variant in disease. Therefore, it has been classified as a Variant of Uncertain Significance.

NM_003839.4(TNFRSF11A):c.545T>G (p.Val182Gly)

Gene: TNFRSF11A (TNF receptor superfamily member 11a; plus strand). Cytogenetic location: 18q21.33.
Variant type: single nucleotide variant.
Coding change: c.545T>G on transcript NM_003839.4 (MANE Select); coding-DNA position 545, T replaced by G.
Protein change: p.Val182Gly; replaces valine 182 with glycine.
Molecular consequence: missense variant.
Genome position (GRCh38, 1-based): chr18:62,359,978, T>G. VCF-style: chr18-62359978-T-G. GRCh37 (hg19) VCF-style: chr18-60027211-T-G.
Other names: c.545T>G, p.Val182Gly (NM_001270949.2, NM_001270950.2, NM_001270951.2); c.503T>G, p.Val168Gly (NM_001278268.2); short protein forms V182G, V168G.
Identifiers: ClinVar variation 3647502 (VCV003647502.2).